The following is an entry in ClinVar:

NM_000372.5(TYR):c.616G>A (p.Ala206Thr)

Gene: TYR (tyrosinase; plus strand). Cytogenetic location: 11q14.3.
Variant type: single nucleotide variant.
Coding change: c.616G>A on transcript NM_000372.5 (MANE Select); coding-DNA position 616, G replaced by A.
Protein change: p.Ala206Thr; replaces alanine 206 with threonine.
Molecular consequence: missense variant.
Genome position (GRCh38, 1-based): chr11:89,178,569, G>A. VCF-style: chr11-89178569-G-A. GRCh37 (hg19) VCF-style: chr11-88911737-G-A.
Other names: short protein forms A206T.
Identifiers: ClinVar variation 3791 (VCV000003791.19), dbSNP rs28940880, ClinGen allele CA227574.

ClinVar aggregate classification (germline): Pathogenic/Likely pathogenic. Review status: criteria provided, multiple submitters, no conflicts (2 of 4 stars). 9 submissions from 9 submitters: Pathogenic (6); Likely pathogenic (1). 2 of the submissions do not count toward it. Last evaluated 2025-04-09.

Conditions:
TYR-related disorder. Also called: TYR-related condition.
Oculocutaneous albinism type 1. Also called: Albinism 1; ALBINISM I. Identifiers: Orphanet 352731, MedGen C0268494, MONDO:0018135. Disease mechanism: loss of function.
SKIN/HAIR/EYE PIGMENTATION 3, LIGHT/DARK SKIN (SHEP3). Also called: SKIN/HAIR/EYE PIGMENTATION 3, BLUE/GREEN EYE COLOR; SKIN/HAIR/EYE PIGMENTATION 3, FRECKLING; SKIN/HAIR/EYE PIGMENTATION, VARIATION IN, 3; EYE COLOR 1; EYE COLOR, GREEN/BLUE. Identifiers: MedGen C2677190, OMIM 601800.
Oculocutaneous albinism type 1A (OCA1A). Also called: Albinism, oculocutaneous, type IA. Identifiers: Orphanet 352731, Orphanet 79431, MedGen C4551504, MONDO:0008745, OMIM 203100. Disease mechanism: loss of function.

Allele frequency attached by ClinVar (database versions not stated): gnomAD exomes below 0.00001 and 0.00001; ExAC 0.00001.

Submissions (9):

Myriad Genetics, Inc.
Classification: Pathogenic for Oculocutaneous albinism type 1. Last evaluated: 2025-04-09. Review status: criteria provided, single submitter. Criteria: Myriad Autosomal Dominant, Autosomal Recessive and X-Linked Classification Criteria (2023). Collection method: clinical testing. Allele origin: unknown.
Comment: NM_000372.4(TYR):c.616G>A(A206T) is a missense variant classified as pathogenic in the context of oculocutaneous albinism, TYR-related. A206T has been observed in cases with relevant disease (PMID: 29345414, 18463683, 20861488, 27734839, 29345414). Relevant functional assessments of this variant are available in the literature (PMID: 1429711, 9242509, 11284711). A206T has been observed in referenced population frequency databases. In summary, NM_000372.4(TYR):c.616G>A(A206T) is a missense variant that has functional support for pathogenicity and has been observed more frequently in cases with the relevant disease than in healthy populations. Please note: this variant was assessed in the context of healthy population screening.

GeneDx
Classification: Pathogenic. Last evaluated: 2025-03-19. Review status: criteria provided, single submitter. Criteria: GeneDx Variant Classification Process June 2021. Collection method: clinical testing. Allele origin: germline. Affected: yes.
Comment: Published functional studies found this variant is associated with significantly reduced enzyme activity (PMID: 1429711, 11284711); Not observed at significant frequency in large population cohorts (gnomAD); In silico analysis supports that this missense variant has a deleterious effect on protein structure/function; This variant is associated with the following publications: (PMID: 11284711, 1429711, 9242509, 1943686, 31589614, 30868138, 27734839, 18463683, 20861488)

Labcorp Genetics (formerly Invitae), Labcorp
Classification: Pathogenic. Last evaluated: 2024-07-21. Review status: criteria provided, single submitter. Criteria: Invitae Variant Classification Sherloc (09022015). Collection method: clinical testing. Allele origin: germline.
Comment: This sequence change replaces alanine, which is neutral and non-polar, with threonine, which is neutral and polar, at codon 206 of the TYR protein (p.Ala206Thr). This variant is present in population databases (rs28940880, gnomAD 0.0009%). This missense change has been observed in individuals with oculocutaneous albinism (PMID: 18463683, 20861488, 27734839). ClinVar contains an entry for this variant (Variation ID: 3791). Advanced modeling of protein sequence and biophysical properties (such as structural, functional, and spatial information, amino acid conservation, physicochemical variation, residue mobility, and thermodynamic stability) performed at Invitae indicates that this missense variant is not expected to disrupt TYR protein function with a negative predictive value of 80%. Experimental studies have shown that this missense change affects TYR function (PMID: 1429711, 9242509, 11284711). For these reasons, this variant has been classified as Pathogenic.

Baylor Genetics
Classification: Pathogenic for SKIN/HAIR/EYE PIGMENTATION 3, LIGHT/DARK SKIN. Last evaluated: 2024-03-27. Review status: criteria provided, single submitter. Criteria: ACMG Guidelines, 2015. Collection method: clinical testing. Allele origin: unknown.

Blueprint Genetics
Classification: Pathogenic for TYR-related disorders. Last evaluated: 2024-01-23. Review status: criteria provided, single submitter. Criteria: ACMG Guidelines, 2015. Collection method: clinical testing. Allele origin: germline. Affected: yes. Observed: 5 variant alleles.

Genome-Nilou Lab
Classification: Likely pathogenic for Oculocutaneous albinism type 1A. Last evaluated: 2021-07-22. Review status: criteria provided, single submitter. Criteria: ACMG Guidelines, 2015. Collection method: clinical testing. Allele origin: germline. Affected: no.

Genetic Services Laboratory, University of Chicago
Classification: Pathogenic for Albinism, oculocutaneous, type IA. Last evaluated: 2015-06-11. Review status: criteria provided, single submitter. Criteria: ACMG Guidelines, 2015. Collection method: clinical testing. Allele origin: germline. Affected: yes.

OMIM
Classification: Pathogenic for ALBINISM, OCULOCUTANEOUS, TYPE IA. Last evaluated: 1991-02-01. Review status: no assertion criteria provided. Collection method: literature only. Allele origin: germline. Not counted in ClinVar's aggregate classification.

Retina International
No classification provided. Review status: no classification provided. Collection method: not provided. Allele origin: unknown. Not counted in ClinVar's aggregate classification.

Literature cited by the submitters: PubMed 11284711 (cited by Myriad Genetics, Inc. and Labcorp Genetics (formerly Invitae), Labcorp); PubMed 1429711 (cited by Myriad Genetics, Inc. and Labcorp Genetics (formerly Invitae), Labcorp); PubMed 18463683 (cited by Myriad Genetics, Inc. and Labcorp Genetics (formerly Invitae), Labcorp); PubMed 20861488 (cited by Myriad Genetics, Inc. and Labcorp Genetics (formerly Invitae), Labcorp); PubMed 27734839 (cited by Myriad Genetics, Inc. and Labcorp Genetics (formerly Invitae), Labcorp); PubMed 29345414 (cited by Myriad Genetics, Inc.); PubMed 9242509 (cited by Myriad Genetics, Inc. and Labcorp Genetics (formerly Invitae), Labcorp); PubMed 1943686 (cited by OMIM).